The following is an entry in ClinVar:

ClinVar aggregate classification (germline): Uncertain significance. Review status: criteria provided, multiple submitters, no conflicts (2 of 4 stars). 3 submissions from 3 submitters: Uncertain significance (3). Last evaluated 2026-01-27.

Conditions:
Hereditary cancer-predisposing syndrome. Also called: Tumor predisposition; Hereditary neoplastic syndrome; Neoplastic Syndromes, Hereditary; Hereditary Cancer Syndrome. Identifiers: Orphanet 140162, MedGen C0027672, MeSH D009386, MONDO:0015356.
Familial cancer of breast. Also called: hereditary breast carcinoma; Hereditary breast cancer; BREAST CANCER, FAMILIAL. Identifiers: Orphanet 227535, MedGen C0346153, MONDO:0016419, OMIM 114480. Disease mechanism: loss of function.

Submissions (3):

Labcorp Genetics (formerly Invitae), Labcorp
Classification: Uncertain significance for Familial cancer of breast. Last evaluated: 2026-01-27. Review status: criteria provided, single submitter. Criteria: Invitae Variant Classification Sherloc (09022015). Collection method: clinical testing. Allele origin: germline.
Comment: This sequence change replaces arginine, which is basic and polar, with serine, which is neutral and polar, at codon 8 of the BARD1 protein (p.Arg8Ser). This variant is not present in population databases (gnomAD no frequency). This variant has not been reported in the literature in individuals affected with BARD1-related conditions. ClinVar contains an entry for this variant (Variation ID: 847768). An algorithm developed to predict the effect of missense changes on protein structure and function (PolyPhen-2) suggests that this variant is likely to be tolerated. In summary, the available evidence is currently insufficient to determine the role of this variant in disease. Therefore, it has been classified as a Variant of Uncertain Significance.

Ambry Genetics
Classification: Uncertain significance for Hereditary cancer-predisposing syndrome. Last evaluated: 2024-11-16. Review status: criteria provided, single submitter. Criteria: Ambry Variant Classification Scheme 2023. Collection method: clinical testing. Allele origin: germline.
Comment: The p.R8S variant (also known as c.24G>T), located in coding exon 1 of the BARD1 gene, results from a G to T substitution at nucleotide position 24. The arginine at codon 8 is replaced by serine, an amino acid with dissimilar properties. This amino acid position is conserved. In addition, this alteration is predicted to be tolerated by in silico analysis. Based on the available evidence, the clinical significance of this variant remains unclear.

Color Diagnostics, LLC DBA Color Health
Classification: Uncertain significance for Hereditary cancer-predisposing syndrome. Last evaluated: 2023-07-24. Review status: criteria provided, single submitter. Criteria: ACMG Guidelines, 2015. Collection method: clinical testing. Allele origin: germline.
Comment: This missense variant replaces arginine with serine at codon 8 of the BARD1 protein. Computational prediction suggests that this variant may not impact protein structure and function (internally defined REVEL score threshold <= 0.5, PMID: 27666373). To our knowledge, functional studies have not been reported for this variant. This variant has not been reported in individuals affected with BARD1-related disorders in the literature. This variant has not been identified in the general population by the Genome Aggregation Database (gnomAD). The available evidence is insufficient to determine the role of this variant in disease conclusively. Therefore, this variant is classified as a Variant of Uncertain Significance.

NM_000465.4(BARD1):c.24G>T (p.Arg8Ser)

Gene: BARD1 (BRCA1 associated RING domain 1; minus strand). Cytogenetic location: 2q35.
Variant type: single nucleotide variant.
Coding change: c.24G>T on transcript NM_000465.4 (MANE Select); coding-DNA position 24, G replaced by T.
Protein change: p.Arg8Ser; replaces arginine 8 with serine.
Molecular consequence: missense variant. On other transcripts: non-coding transcript variant (3).
Genome position (GRCh38, 1-based): chr2:214,809,546, C>A on the plus strand (G>T on the coding strand, the complement: BARD1 is on the minus strand). VCF-style: chr2-214809546-C-A. GRCh37 (hg19) VCF-style: chr2-215674270-C-A.
Other names: c.24G>T, p.Arg8Ser (NM_001282543.2, NM_001282545.2, NM_001282548.2 and 1 more transcripts); c.24G>T (NM_000465.2); short protein forms R8S.
Identifiers: ClinVar variation 847768 (VCV000847768.13), dbSNP rs1696475305, ClinGen allele CA350465416.